The following is an entry in ClinVar:

NM_030665.4(RAI1):c.2029G>T (p.Gly677Cys)

Gene: RAI1 (retinoic acid induced 1; plus strand). Cytogenetic location: 17p11.2.
Variant type: single nucleotide variant.
Coding change: c.2029G>T on transcript NM_030665.4 (MANE Select); coding-DNA position 2029, G replaced by T.
Protein change: p.Gly677Cys; replaces glycine 677 with cysteine.
Molecular consequence: missense variant.
Genome position (GRCh38, 1-based): chr17:17,794,977, G>T. VCF-style: chr17-17794977-G-T. GRCh37 (hg19) VCF-style: chr17-17698291-G-T.
Other names: short protein forms G677C.
Identifiers: ClinVar variation 4873879 (VCV004873879.2).

ClinVar aggregate classification (germline): Likely benign (1 of 4 stars; one submission).

gnomAD v4.1: 12 of 1,613,836 alleles (0.00074%); highest among the groups gnomAD compares: Non-Finnish European, 0.001%; no homozygotes.

Submission:

CeGaT Center for Human Genetics Tuebingen
Classification: Likely benign. Last evaluated: 2026-04-01. Review status: criteria provided, single submitter. Criteria: CeGaT Center For Human Genetics Tuebingen Variant Classification Criteria Version 2. Collection method: clinical testing. Allele origin: germline. Affected: yes. Observed: 1 variant allele.
Comment: RAI1: BP4